The following is an entry in ClinVar:

NM_015340.4(LARS2):c.457A>C (p.Asn153His)

Gene: LARS2 (leucyl-tRNA synthetase 2, mitochondrial; plus strand). Cytogenetic location: 3p21.31.
Variant type: single nucleotide variant.
Coding change: c.457A>C on transcript NM_015340.4 (MANE Select); coding-DNA position 457, A replaced by C.
Protein change: p.Asn153His; replaces asparagine 153 with histidine.
Molecular consequence: missense variant.
Genome position (GRCh38, 1-based): chr3:45,419,670, A>C. VCF-style: chr3-45419670-A-C. GRCh37 (hg19) VCF-style: chr3-45461162-A-C.
Other names: p.Asn153His; c.457A>C, p.Asn153His (NM_001368263.1); short protein forms N153H.
Identifiers: ClinVar variation 191173 (VCV000191173.8), dbSNP rs786205560, ClinGen allele CA236183.

ClinVar aggregate classification (germline): Pathogenic/Likely pathogenic. Review status: criteria provided, multiple submitters, no conflicts (2 of 4 stars). 7 submissions from 6 submitters: Pathogenic (1); Likely pathogenic (4). 2 of the submissions do not count toward it. Last evaluated 2024-03-14.

Conditions:
Hydrops-lactic acidosis-sideroblastic anemia-multisystemic failure syndrome. Also called: Hydrops, lactic acidosis, and sideroblastic anemia. Identifiers: Orphanet 528091, MedGen C4310761, MONDO:0014869, OMIM 617021.
Perrault syndrome. Also called: Gonadal dysgenesis with auditory dysfunction, autosomal recessive inheritance. Identifiers: Orphanet 2855, MedGen C0685838, MONDO:0017312.
Perrault syndrome 4 (PRLTS4). Identifiers: Orphanet 2855, MedGen C3809105, MONDO:0014126, OMIM 615300.

Submissions (7):

Genomic Medicine Center of Excellence, King Faisal Specialist Hospital and Research Centre
Classification: Pathogenic for Perrault syndrome 4. Last evaluated: 2024-03-14. Review status: criteria provided, single submitter. Criteria: ACMG Guidelines, 2015. Collection method: clinical testing. Allele origin: germline.

Clinical Genetics Laboratory, Skane University Hospital Lund
Classification: Likely pathogenic. Last evaluated: 2024-01-29. Review status: criteria provided, single submitter. Criteria: ACMG Guidelines, 2015. Collection method: clinical testing. Allele origin: germline. Affected: yes.

Breakthrough Genomics
Classification: Likely pathogenic for Perrault syndrome 4. Last evaluated: 2021-03-22. Review status: criteria provided, single submitter. Criteria: ACMG Guidelines, 2015. Collection method: clinical testing. Allele origin: germline. Affected: yes.

King Laboratory, University of Washington
Classification: Likely pathogenic for Perrault syndrome 4. Last evaluated: 2020-08-01. Review status: criteria provided, single submitter. Criteria: Abu Rayyan A et al. (Proc Natl Acad Sci U S A 2020). Collection method: research. Allele origin: germline. Affected: yes.
Comment: LARS2 c.457A>C, p.N153H alters a residue of LARS2 completely conserved in all sequenced vertebrates. The variant is homozygous in 8 children from 4 Palestinian families with ovarian dysgenesis in females and hearing loss and progressive neurological problems in both sexes (Abu Rayyan 2020). It is present in 1 of 1300 Palestinian controls, as a heterozygote, and is absent from public databases. It has been reported previously on ClinVar in subjects of Arab ancestry.

Center of Genomic medicine, Geneva, University Hospital of Geneva
Classification: Likely pathogenic for Perrault syndrome. Last evaluated: 2018-08-06. Review status: criteria provided, single submitter. Criteria: ACMG Guidelines, 2015. Collection method: clinical testing. Allele origin: paternal. Affected: yes. Observed: 2 variant alleles.

Biochemical Molecular Genetic Laboratory, King Abdulaziz Medical City
Classification: Uncertain significance for Hydrops-lactic acidosis-sideroblastic anemia-multisystemic failure syndrome. Last evaluated: 2018-05-23. Review status: no assertion criteria provided. Collection method: clinical testing. Allele origin: germline. Affected: yes. Not counted in ClinVar's aggregate classification.

Genomic Medicine Center of Excellence, King Faisal Specialist Hospital and Research Centre
Classification: Likely pathogenic. Review status: flagged submission. Criteria: ACMG Guidelines, 2015. Collection method: research. Allele origin: germline. Affected: yes. Not counted in ClinVar's aggregate classification.
ClinVar note: Reason: This record appears to be redundant with a more recent record from the same submitter.
ClinVar note: Notes: SCV000221556 appears to be redundant with SCV005016609.